The following is an entry in ClinVar:

ClinVar aggregate classification (germline): Uncertain significance (0 of 4 stars; one submission).

Conditions:
PPP2R5D-related disorder. Also called: PPP2R5D-related condition.

gnomAD v4.1: 2 of 1,614,138 alleles (0.00012%); highest among the groups gnomAD compares: Non-Finnish European, 0.00017%; no homozygotes.

Submission:

PreventionGenetics, part of Exact Sciences
Classification: Uncertain significance for PPP2R5D-related condition. Last evaluated: 2024-03-28. Review status: no assertion criteria provided. Collection method: clinical testing. Allele origin: germline.
Comment: The PPP2R5D c.241G>A variant is predicted to result in the amino acid substitution p.Val81Ile. To our knowledge, this variant has not been reported in the literature or in a large population database, indicating this variant is rare. At this time, the clinical significance of this variant is uncertain due to the absence of conclusive functional and genetic evidence.

NM_006245.4(PPP2R5D):c.241G>A (p.Val81Ile)

Gene: PPP2R5D (protein phosphatase 2 regulatory subunit B'delta; plus strand). Cytogenetic location: 6p21.1.
Variant type: single nucleotide variant.
Coding change: c.241G>A on transcript NM_006245.4 (MANE Select); coding-DNA position 241, G replaced by A.
Protein change: p.Val81Ile; replaces valine 81 with isoleucine.
Molecular consequence: missense variant. On other transcripts: 5 prime UTR variant (1), intron variant (1).
Genome position (GRCh38, 1-based): chr6:43,006,598, G>A. VCF-style: chr6-43006598-G-A. GRCh37 (hg19) VCF-style: chr6-42974336-G-A.
Other names: c.-213G>A (NM_001270476.2); c.241G>A, p.Val81Ile (NM_180976.3); c.28-336G>A (NM_180977.3); short protein forms V81I.
Identifiers: ClinVar variation 3348101 (VCV003348101.1).